The following is an entry in ClinVar:

ClinVar aggregate classification (germline): Uncertain significance (1 of 4 stars; one submission).

Conditions:
Ehlers-Danlos syndrome, classic type, 1 (EDSCL1). Also called: EHLERS-DANLOS SYNDROME, GRAVIS TYPE; EHLERS-DANLOS SYNDROME, SEVERE CLASSIC TYPE; EDS I; Ehlers-Danlos Syndrome, Classic Type, COL5A1-Related; Ehlers-Danlos syndrome, type 1. Identifiers: MedGen C0268335, MONDO:0019567, OMIM 130000.

gnomAD v4.1: 7 of 1,614,016 alleles (0.00043%); highest among the groups gnomAD compares: Non-Finnish European, 0.00059%; 1 homozygote.

Submission:

Labcorp Genetics (formerly Invitae), Labcorp
Classification: Uncertain significance for Ehlers-Danlos syndrome, classic type, 1. Last evaluated: 2025-01-28. Review status: criteria provided, single submitter. Criteria: Invitae Variant Classification Sherloc (09022015). Collection method: clinical testing. Allele origin: germline.
Comment: This sequence change falls in intron 60 of the COL5A1 gene. It does not directly change the encoded amino acid sequence of the COL5A1 protein. It affects a nucleotide within the consensus splice site. This variant is not present in population databases (gnomAD no frequency). This variant has not been reported in the literature in individuals affected with COL5A1-related conditions. ClinVar contains an entry for this variant (Variation ID: 1021113). Variants that disrupt the consensus splice site are a relatively common cause of aberrant splicing (PMID: 17576681, 9536098). Algorithms developed to predict the effect of sequence changes on RNA splicing suggest that this variant may create or strengthen a splice site. In summary, the available evidence is currently insufficient to determine the role of this variant in disease. Therefore, it has been classified as a Variant of Uncertain Significance.

Literature cited by the submitters: PubMed 17576681; PubMed 9536098.

NM_000093.5(COL5A1):c.4644+4A>G

Genes: COL5A1 (collagen type V alpha 1 chain; plus strand), LOC101448202 (uncharacterized LOC101448202; minus strand). Cytogenetic location: 9q34.3.
Variant type: single nucleotide variant.
Coding change: c.4644+4A>G on transcript NM_000093.5 (MANE Select); 4 bases into the intron after coding-DNA position 4644, A replaced by G.
Molecular consequence: intron variant.
Genome position (GRCh38, 1-based): chr9:134,823,037, A>G. VCF-style: chr9-134823037-A-G. GRCh37 (hg19) VCF-style: chr9-137714883-A-G.
Other names: c.4644+4A>G (NM_001278074.1).
Identifiers: ClinVar variation 1021113 (VCV001021113.8), dbSNP rs1478447420, ClinGen allele CA1883374716.
Genomic context (GRCh38, chr9:134,823,037, plus strand): 5'-TCTGCCCTCCTCTCTCTGCAGGGTCCGCCTGGTCCAAAAGGTGCTAAGGGCTCCTCGGTA[A>G]GTAACATGCTGCCCAGCCAGGCCAATGCCTGGAAGGTAGGGGAGGGCGACGGGTCCCCTG-3'